The following is an entry in ClinVar:

NM_000179.3(MSH6):c.1134A>C (p.Arg378Ser)

Gene: MSH6 (mutS homolog 6; plus strand). Cytogenetic location: 2p16.3.
Variant type: single nucleotide variant.
Coding change: c.1134A>C on transcript NM_000179.3 (MANE Select); coding-DNA position 1134, A replaced by C.
Protein change: p.Arg378Ser; replaces arginine 378 with serine.
Molecular consequence: missense variant.
Genome position (GRCh38, 1-based): chr2:47,799,117, A>C. VCF-style: chr2-47799117-A-C. GRCh37 (hg19) VCF-style: chr2-48026256-A-C.
Other names: c.744A>C, p.Arg248Ser (NM_001281492.2); c.228A>C, p.Arg76Ser (NM_001281493.2, NM_001281494.2); short protein forms R378S, R248S, R76S.
Identifiers: ClinVar variation 237127 (VCV000237127.10), dbSNP rs878853700, ClinGen allele CA10582044.

ClinVar aggregate classification (germline): Uncertain significance (1 of 4 stars; one submission).

Conditions:
Hereditary nonpolyposis colorectal neoplasms. Identifiers: MedGen C0009405, MeSH D003123.

Submission:

Labcorp Genetics (formerly Invitae), Labcorp
Classification: Uncertain significance for Hereditary nonpolyposis colorectal neoplasms. Last evaluated: 2016-02-18. Review status: criteria provided, single submitter. Criteria: Invitae Variant Classification Sherloc (09022015). Collection method: clinical testing. Allele origin: germline.
Comment: In summary, this is a novel missense change with uncertain impact on protein function. It has been classified as a Variant of Uncertain Significance. Algorithms developed to predict the effect of missense changes on protein structure and function do not agree on the potential impact of this missense change (SIFT: "Tolerated"; PolyPhen-2: "Probably Damaging"; Align-GVGD: "Class C15"). This variant is not present in population databases (ExAC no frequency) and has not been reported in the literature in individuals with a MSH6-related disease. This sequence change replaces arginine with serine at codon 378 of the MSH6 protein (p.Arg378Ser). The arginine residue is moderately conserved and there is a moderate physicochemical difference between arginine and serine.